The following is an entry in ClinVar:

ClinVar aggregate classification (germline): Uncertain significance (1 of 4 stars; one submission).

Submission:

CeGaT Center for Human Genetics Tuebingen
Classification: Uncertain significance. Last evaluated: 2022-05-01. Review status: criteria provided, single submitter. Criteria: CeGaT Center For Human Genetics Tuebingen Variant Classification Criteria Version 2. Collection method: clinical testing. Allele origin: germline. Affected: yes. Observed: 1 variant allele.
Comment: SMCR8: PM2, BP4

NM_144775.3(SMCR8):c.1827T>G (p.Asp609Glu)

Gene: SMCR8 (SMCR8-C9orf72 complex subunit; plus strand). Cytogenetic location: 17p11.2.
Variant type: single nucleotide variant.
Coding change: c.1827T>G on transcript NM_144775.3 (MANE Select); coding-DNA position 1827, T replaced by G.
Protein change: p.Asp609Glu; replaces aspartic acid 609 with glutamic acid.
Molecular consequence: missense variant.
Genome position (GRCh38, 1-based): chr17:18,317,616, T>G. VCF-style: chr17-18317616-T-G. GRCh37 (hg19) VCF-style: chr17-18220930-T-G.
Other names: short protein forms D609E.
Identifiers: ClinVar variation 2647557 (VCV002647557.24), dbSNP rs2545642273, ClinGen allele CA398620352.
Genomic context (GRCh38, chr17:18,317,616, plus strand): 5'-GGAGAGCGATGGTCAGTTGGTGCTGCCCTCCACTCCAGCCCACACACACTCTGACGAGGA[T>G]GGGGTGGTGAGCAGCCCCCCACAGCGCCACAGGCAGAAGGACCAGGGGTTCCGTGTAGAC-3'
Protein context (NP_658988.2, residues 599-619): STPAHTHSDE[Asp609Glu]GVVSSPPQRH